The following is an entry in ClinVar:

NM_015450.3(POT1):c.580T>G (p.Trp194Gly)

Gene: POT1 (protection of telomeres 1; minus strand). Cytogenetic location: 7q31.33.
Variant type: single nucleotide variant.
Coding change: c.580T>G on transcript NM_015450.3 (MANE Select); coding-DNA position 580, T replaced by G.
Protein change: p.Trp194Gly; replaces tryptophan 194 with glycine.
Molecular consequence: missense variant. On other transcripts: non-coding transcript variant (3).
Genome position (GRCh38, 1-based): chr7:124,859,079, A>C on the plus strand (T>G on the coding strand, the complement: POT1 is on the minus strand). VCF-style: chr7-124859079-A-C. GRCh37 (hg19) VCF-style: chr7-124499133-A-C.
Other names: c.187T>G, p.Trp63Gly (NM_001042594.2); short protein forms W63G, W194G.
Identifiers: ClinVar variation 1749844 (VCV001749844.2), dbSNP rs2485463982, ClinGen allele CA369056736.

ClinVar aggregate classification (germline): Uncertain significance (1 of 4 stars; one submission).

Conditions:
Hereditary cancer-predisposing syndrome. Also called: Hereditary Cancer Syndrome; Hereditary neoplastic syndrome; Neoplastic Syndromes, Hereditary; Tumor predisposition. Identifiers: Orphanet 140162, MedGen C0027672, MeSH D009386, MONDO:0015356.

Submission:

Ambry Genetics
Classification: Uncertain significance for Hereditary cancer-predisposing syndrome. Last evaluated: 2020-02-27. Review status: criteria provided, single submitter. Criteria: Ambry Variant Classification Scheme 2023. Collection method: clinical testing. Allele origin: germline.
Comment: The p.W194G variant (also known as c.580T>G), located in coding exon 5 of the POT1 gene, results from a T to G substitution at nucleotide position 580. The tryptophan at codon 194 is replaced by glycine, an amino acid with highly dissimilar properties. This amino acid position is highly conserved in available vertebrate species. In addition, the in silico prediction for this alteration is inconclusive. Since supporting evidence is limited at this time, the clinical significance of this alteration remains unclear.